The following is an entry in ClinVar:

ClinVar aggregate classification (germline): Uncertain significance (1 of 4 stars; one submission).

Conditions:
Ataxia-telangiectasia syndrome (AT). Also called: Cerebello-oculocutaneous telangiectasia; Immunodeficiency with ataxia telangiectasia; AT, COMPLEMENTATION GROUP C; Ataxia-telangiectasia, complementation group E; LOUIS-BAR SYNDROME; ATAXIA-TELANGIECTASIA, COMPLEMENTATION GROUP A. Identifiers: Orphanet 100, MedGen C0004135, MONDO:0008840, OMIM 208900.

Allele frequency attached by ClinVar (database versions not stated): gnomAD exomes below 0.00001; ExAC 0.00001.

Submission:

Labcorp Genetics (formerly Invitae), Labcorp
Classification: Uncertain significance for Ataxia-telangiectasia syndrome. Last evaluated: 2025-08-07. Review status: criteria provided, single submitter. Criteria: Invitae Variant Classification Sherloc (09022015). Collection method: clinical testing. Allele origin: germline.
Comment: This sequence change replaces valine, which is neutral and non-polar, with alanine, which is neutral and non-polar, at codon 613 of the ATM protein (p.Val613Ala). This variant is present in population databases (rs762018538, gnomAD 0.006%). This variant has not been reported in the literature in individuals affected with ATM-related conditions. ClinVar contains an entry for this variant (Variation ID: 1367870). Invitae Evidence Modeling of protein sequence and biophysical properties (such as structural, functional, and spatial information, amino acid conservation, physicochemical variation, residue mobility, and thermodynamic stability) indicates that this missense variant is not expected to disrupt ATM protein function with a negative predictive value of 95%. In summary, the available evidence is currently insufficient to determine the role of this variant in disease. Therefore, it has been classified as a Variant of Uncertain Significance.

NM_000051.4(ATM):c.1838T>C (p.Val613Ala)

Gene: ATM (ATM serine/threonine kinase; plus strand). Cytogenetic location: 11q22.3.
Variant type: single nucleotide variant.
Coding change: c.1838T>C on transcript NM_000051.4 (MANE Select); coding-DNA position 1838, T replaced by C.
Protein change: p.Val613Ala; replaces valine 613 with alanine.
Molecular consequence: missense variant.
Genome position (GRCh38, 1-based): chr11:108,252,852, T>C. VCF-style: chr11-108252852-T-C. GRCh37 (hg19) VCF-style: chr11-108123579-T-C.
Other names: c.1838T>C, p.Val613Ala (NM_001351834.2); short protein forms V613A.
Identifiers: ClinVar variation 1367870 (VCV001367870.8), dbSNP rs762018538, ClinGen allele CA6264887.